The following is an entry in ClinVar:

NM_000135.4(FANCA):c.3658C>T (p.Pro1220Ser)

Gene: FANCA (FA complementation group A; minus strand). Cytogenetic location: 16q24.3.
Variant type: single nucleotide variant.
Coding change: c.3658C>T on transcript NM_000135.4 (MANE Select); coding-DNA position 3658, C replaced by T.
Protein change: p.Pro1220Ser; replaces proline 1220 with serine.
Molecular consequence: missense variant.
Genome position (GRCh38, 1-based): chr16:89,742,907, G>A on the plus strand (C>T on the coding strand, the complement: FANCA is on the minus strand). VCF-style: chr16-89742907-G-A. GRCh37 (hg19) VCF-style: chr16-89809315-G-A.
Other names: c.3658C>T (LRG_495t1); c.3658C>T, p.Pro1220Ser (NM_001286167.3); short protein forms P1220S.
Identifiers: ClinVar variation 456118 (VCV000456118.10), dbSNP rs773150877, ClinGen allele CA397485495.

ClinVar aggregate classification (germline): Uncertain significance. Review status: criteria provided, multiple submitters, no conflicts (2 of 4 stars). 3 submissions from 3 submitters: Uncertain significance (2). 1 of the submissions does not count toward it. Last evaluated 2026-02-11.

Conditions:
Fanconi anemia (FA). Also called: Fanconi's anemia. Identifiers: Orphanet 84, MedGen C0015625, MeSH D005199, MONDO:0019391.
Fanconi anemia complementation group A (FANCA). Also called: Fanconi anemia, group A; FANCA-Related Fanconi Anemia. Identifiers: Orphanet 84, MedGen C3469521, MONDO:0009215, OMIM 227650.

Allele frequency attached by ClinVar (database versions not stated): gnomAD 0.00001; TOPMed 0.00001.
gnomAD v4.1: 12 of 1,614,034 alleles (0.00074%); highest among the groups gnomAD compares: South Asian, 0.0022%; no homozygotes.

Submissions (3):

St. Jude Molecular Pathology, St. Jude Children's Research Hospital
Classification: Uncertain significance for Fanconi anemia complementation group A. Last evaluated: 2026-02-11. Review status: criteria provided, single submitter. Criteria: St. Jude Assertion Criteria 2020. Collection method: clinical testing. Allele origin: germline.
Comment: The FANCA c.3658C>T p.(Pro1220Ser) missense change is absent in gnomAD v2.1.1. The in silico tool REVEL predicts a benign effect on protein function, but to our knowledge this prediction has not been confirmed by functional studies. To our knowledge, this variant has not been reported in individuals with Fanconi anemia. In summary, the evidence currently available is insufficient to determine the clinical significance of this variant. It has therefore been classified as of uncertain significance.

Labcorp Genetics (formerly Invitae), Labcorp
Classification: Uncertain significance for Fanconi anemia. Last evaluated: 2022-02-25. Review status: criteria provided, single submitter. Criteria: Invitae Variant Classification Sherloc (09022015). Collection method: clinical testing. Allele origin: germline.
Comment: This sequence change replaces proline, which is neutral and non-polar, with serine, which is neutral and polar, at codon 1220 of the FANCA protein (p.Pro1220Ser). This variant is not present in population databases (gnomAD no frequency). This variant has not been reported in the literature in individuals affected with FANCA-related conditions. ClinVar contains an entry for this variant (Variation ID: 456118). Advanced modeling of protein sequence and biophysical properties (such as structural, functional, and spatial information, amino acid conservation, physicochemical variation, residue mobility, and thermodynamic stability) performed at Invitae indicates that this missense variant is not expected to disrupt FANCA protein function. In summary, the available evidence is currently insufficient to determine the role of this variant in disease. Therefore, it has been classified as a Variant of Uncertain Significance.

Natera, Inc.
Classification: Uncertain significance for Fanconi anemia, group A. Last evaluated: 2020-09-16. Review status: no assertion criteria provided. Collection method: clinical testing. Allele origin: germline. Not counted in ClinVar's aggregate classification.